The following is an entry in ClinVar:

NM_054012.4(ASS1):c.1009T>G (p.Cys337Gly)

Gene: ASS1 (argininosuccinate synthase 1; plus strand). Cytogenetic location: 9q34.11.
Variant type: single nucleotide variant.
Coding change: c.1009T>G on transcript NM_054012.4 (MANE Select); coding-DNA position 1009, T replaced by G.
Protein change: p.Cys337Gly; replaces cysteine 337 with glycine.
Molecular consequence: missense variant.
Genome position (GRCh38, 1-based): chr9:130,494,905, T>G. VCF-style: chr9-130494905-T-G. GRCh37 (hg19) VCF-style: chr9-133370292-T-G.
Other names: c.1009T>G, p.Cys337Gly (NM_000050.4); short protein forms C337G.
Identifiers: ClinVar variation 528375 (VCV000528375.7), dbSNP rs1554725043, ClinGen allele CA375231865.

ClinVar aggregate classification (germline): Uncertain significance (1 of 4 stars; one submission).

Conditions:
Citrullinemia. Identifiers: Orphanet 187, MedGen C0175683, MONDO:0015991.

Allele frequency attached by ClinVar (database versions not stated): TOPMed 0.00001.
gnomAD v4.1: 1 of 1,613,494 alleles (0.000062%); no homozygotes.

Submission:

Labcorp Genetics (formerly Invitae), Labcorp
Classification: Uncertain significance for Citrullinemia. Last evaluated: 2021-09-02. Review status: criteria provided, single submitter. Criteria: Invitae Variant Classification Sherloc (09022015). Collection method: clinical testing. Allele origin: germline.
Comment: This sequence change replaces cysteine with glycine at codon 337 of the ASS1 protein (p.Cys337Gly). The cysteine residue is moderately conserved and there is a large physicochemical difference between cysteine and glycine. This variant is not present in population databases (ExAC no frequency). This variant has not been reported in the literature in individuals affected with ASS1-related conditions. Algorithms developed to predict the effect of missense changes on protein structure and function are either unavailable or do not agree on the potential impact of this missense change (SIFT: "Tolerated"; PolyPhen-2: "Probably Damaging"; Align-GVGD: "Class C0"). In summary, the available evidence is currently insufficient to determine the role of this variant in disease. Therefore, it has been classified as a Variant of Uncertain Significance.